The following is an entry in ClinVar:

ClinVar aggregate classification (germline): Pathogenic. Review status: criteria provided, single submitter (1 of 4 stars). 2 submissions from 1 submitter: Pathogenic (2). Last evaluated 2022-11-02.

Conditions:
Ocular cystinosis. Also called: Non-Nephropathic Cystinosis; Non-Nephropathic (Ocular) Cystinosis. Identifiers: Orphanet 213, Orphanet 411641, MedGen C2931013, MONDO:0009064, OMIM 219750.
Juvenile nephropathic cystinosis. Also called: Intermediate Cystinosis; CYSTINOSIS, LATE-ONSET JUVENILE OR ADOLESCENT NEPHROPATHIC TYPE; Later-Onset (Juvenile) Cystinosis. Identifiers: Orphanet 213, Orphanet 411634, MedGen C0268626, MONDO:0009066, OMIM 219900.
Nephropathic cystinosis (CTNS). Also called: CYSTINOSIN, DEFECT OF; LYSOSOMAL CYSTINE TRANSPORT PROTEIN, DEFECT OF; Abderhalden Lignac Kaufmann disease; Abderhalden-Kaufmann-Lignac syndrome. Identifiers: Orphanet 213, Orphanet 411629, MedGen C2931187, MONDO:0100151, OMIM 219800.
Inborn genetic diseases. Identifiers: MedGen C0950123, MeSH D030342.

Submissions (2):

Labcorp Genetics (formerly Invitae), Labcorp
Classification: Pathogenic for Inborn genetic diseases; Ocular cystinosis; Juvenile nephropathic cystinosis. Last evaluated: 2022-11-02. Review status: criteria provided, single submitter. Criteria: Invitae Variant Classification Sherloc (09022015). Collection method: clinical testing. Allele origin: germline.
Comment: This variant is a gross deletion of the genomic region encompassing exon(s) 1-10 of the CTNS gene, which includes the initiator codon. This deletion extends beyond the assayed region for this gene and therefore may encompass additional genes. It is expected to result in an absent or disrupted protein product. Loss-of-function variants in CTNS are known to be pathogenic (PMID: 9537412, 27102039). A 57 kb deletion of exons 1-10 and including other genes has been reported to be common in individuals affected with cystinosis (PMID: 10625078, 21546516, 12204010, 28405942, 27734949, 9792862, 18186520). For these reasons, this variant has been classified as Pathogenic.

Labcorp Genetics (formerly Invitae), Labcorp
Classification: Pathogenic for Nephropathic cystinosis; Ocular cystinosis; Juvenile nephropathic cystinosis. Last evaluated: 2019-12-31. Review status: criteria provided, single submitter. Criteria: Invitae Variant Classification Sherloc (09022015). Collection method: clinical testing. Allele origin: germline.
Comment: This variant is a gross deletion of the genomic region encompassing exons 1-10 of the CTNS gene, which includes the initiator codon. The 5' end of this event is unknown as it extends beyond the assayed region for this gene and therefore may encompass additional genes. The 3' boundary is likely confined to intron 10 of the CTNS gene. This is expected to result in an absent or disrupted protein product. A 57 kb deletion of exons 1-10 and including other genes has been reported to be common in individuals affected with cystinosis (PMID: 10625078, 21546516, 12204010, 28405942, 27734949, 9792862, 18186520). Loss-of-function variants in CTNS are known to be pathogenic (PMID: 9537412, 27102039). For these reasons, this variant has been classified as Pathogenic.

Literature cited by the submitters: PubMed 9537412; PubMed 27102039; PubMed 10625078; PubMed 21546516; PubMed 12204010; PubMed 28405942; PubMed 27734949; PubMed 9792862; PubMed 18186520.

NC_000017.11:g.(?_3636418)_(3658185_?)del

Genes: CTNS (cystinosin, lysosomal cystine transporter; plus strand), CTNS-AS1 (CTNS antisense RNA 1; minus strand), LOC130059981 (ATAC-STARR-seq lymphoblastoid silent region 8015; plus strand), LOC130059980 (ATAC-STARR-seq lymphoblastoid active region 11511; plus strand). Cytogenetic location: 17p13.2.
Variant type: Deletion.
Identifiers: ClinVar variation 652375 (VCV000652375.6).